The following is an entry in ClinVar:

ClinVar aggregate classification (germline): Pathogenic (1 of 4 stars; one submission).

Allele frequency attached by ClinVar (database versions not stated): TOPMed below 0.00001.

Submission:

Labcorp Genetics (formerly Invitae), Labcorp
Classification: Pathogenic. Last evaluated: 2023-04-07. Review status: criteria provided, single submitter. Criteria: Invitae Variant Classification Sherloc (09022015). Collection method: clinical testing. Allele origin: germline.
Comment: This sequence change creates a premature translational stop signal (p.Glu198*) in the GNPTG gene. It is expected to result in an absent or disrupted protein product. Loss-of-function variants in GNPTG are known to be pathogenic (PMID: 19370764, 20301784). This variant is not present in population databases (gnomAD no frequency). For these reasons, this variant has been classified as Pathogenic. This variant has not been reported in the literature in individuals affected with GNPTG-related conditions.

Literature cited by the submitters: PubMed 19370764; PubMed 20301784.

NM_032520.5(GNPTG):c.592G>T (p.Glu198Ter)

Gene: GNPTG (N-acetylglucosamine-1-phosphate transferase subunit gamma; plus strand). Cytogenetic location: 16p13.3.
Variant type: single nucleotide variant.
Coding change: c.592G>T on transcript NM_032520.5 (MANE Select); coding-DNA position 592, G replaced by T.
Protein change: p.Glu198Ter; replaces glutamic acid 198 with a stop codon.
Molecular consequence: nonsense.
Genome position (GRCh38, 1-based): chr16:1,362,517, G>T. VCF-style: chr16-1362517-G-T. GRCh37 (hg19) VCF-style: chr16-1412518-G-T.
Other names: short protein forms E198*.
Identifiers: ClinVar variation 2853261 (VCV002853261.3), dbSNP rs2034919426, ClinGen allele CA394188322.